The following is an entry in ClinVar:

NM_016599.5(MYOZ2):c.311C>T (p.Ala104Val)

Gene: MYOZ2 (myozenin 2; plus strand). Cytogenetic location: 4q26.
Variant type: single nucleotide variant.
Coding change: c.311C>T on transcript NM_016599.5 (MANE Select); coding-DNA position 311, C replaced by T.
Protein change: p.Ala104Val; replaces alanine 104 with valine.
Molecular consequence: missense variant.
Genome position (GRCh38, 1-based): chr4:119,158,086, C>T. VCF-style: chr4-119158086-C-T. GRCh37 (hg19) VCF-style: chr4-120079241-C-T.
Other names: short protein forms A104V.
Identifiers: ClinVar variation 229031 (VCV000229031.16), dbSNP rs772659939, ClinGen allele CA3058595.

ClinVar aggregate classification (germline): Uncertain significance. Review status: criteria provided, multiple submitters, no conflicts (2 of 4 stars). 4 submissions from 4 submitters: Uncertain significance (4). Last evaluated 2025-12-21.

Conditions:
Cardiovascular phenotype. Identifiers: MedGen CN230736.
Hypertrophic cardiomyopathy 16. Identifiers: MedGen C3151204, MONDO:0013455, OMIM 613838.
Hypertrophic cardiomyopathy. Also called: HYPERTROPHIC MYOCARDIOPATHY. Identifiers: Orphanet 217569, MedGen C0007194, MeSH D002312, MONDO:0005045, HP:0001639.

Allele frequency attached by ClinVar (database versions not stated): gnomAD 0.00002; gnomAD exomes 0.00002 and 0.00007; TOPMed 0.00002; ExAC 0.00009.
gnomAD v4.1: 33 of 1,613,756 alleles (0.002%); highest among the groups gnomAD compares: East Asian, 0.065%; no homozygotes.

Submissions (4):

Labcorp Genetics (formerly Invitae), Labcorp
Classification: Uncertain significance for Hypertrophic cardiomyopathy. Last evaluated: 2025-12-21. Review status: criteria provided, single submitter. Criteria: Invitae Variant Classification Sherloc (09022015). Collection method: clinical testing. Allele origin: germline.
Comment: This sequence change replaces alanine, which is neutral and non-polar, with valine, which is neutral and non-polar, at codon 104 of the MYOZ2 protein (p.Ala104Val). This variant is present in population databases (rs772659939, gnomAD 0.08%), and has an allele count higher than expected for a pathogenic variant. This variant has not been reported in the literature in individuals affected with MYOZ2-related conditions. ClinVar contains an entry for this variant (Variation ID: 229031). Invitae Evidence Modeling of protein sequence and biophysical properties (such as structural, functional, and spatial information, amino acid conservation, physicochemical variation, residue mobility, and thermodynamic stability) indicates that this missense variant is not expected to disrupt MYOZ2 protein function with a negative predictive value of 80%. In summary, the available evidence is currently insufficient to determine the role of this variant in disease. Therefore, it has been classified as a Variant of Uncertain Significance.

Clinical Genomics Laboratory, Washington University in St. Louis
Classification: Uncertain significance for Hypertrophic cardiomyopathy 16. Last evaluated: 2025-10-07. Review status: criteria provided, single submitter. Criteria: ACMG Guidelines, 2015. Collection method: clinical testing. Allele origin: germline.
Comment: An MYOZ2 c. 311C>T (p.Ala104Val) missense variant was identified in a heterozygous state. This variant, to our knowledge, has not been reported in the medical literature. It is only observed on 17/251,270 alleles in the general population (gnomAD v2.1.1), indicating it is not a common variant. Computational predictors suggest that the variant does not impact MYOZ2 function. The clinical significance of this variant is uncertain.

Ambry Genetics
Classification: Uncertain significance for Cardiovascular phenotype. Last evaluated: 2025-06-03. Review status: criteria provided, single submitter. Criteria: Ambry Variant Classification Scheme 2023. Collection method: clinical testing. Allele origin: germline.

Laboratory for Molecular Medicine, Mass General Brigham Personalized Medicine
Classification: Uncertain significance. Last evaluated: 2015-06-23. Review status: criteria provided, single submitter. Criteria: LMM Criteria. Collection method: clinical testing. Allele origin: germline. Observed: 1 variant allele.
Comment: Variant classified as Uncertain Significance - Favor Benign. The p.Ala104Val var iant in MYOZ2 has not been previously reported in individuals with cardiomyopath y, but has been identified in 0.1% (9/8652) of East Asian chromosomes by the Exo me Aggregation Consortium (ExAC). Computational prediction tools and conservation analysis suggest that the p.Ala104Val variant may not impact the protein, though this information is not predictive enough to rule out pathogenicity. In summary, while the clinical significance of the p.Ala 104Val variant is uncertain, its frequency suggests that it is more likely to be benign.